The following is an entry in ClinVar:

NM_001329556.3(REEP6):c.530T>C (p.Leu177Pro)

Gene: REEP6 (receptor accessory protein 6; plus strand). Cytogenetic location: 19p13.3.
Variant type: single nucleotide variant.
Coding change: c.530T>C on transcript NM_001329556.3 (MANE Plus Clinical); coding-DNA position 530, T replaced by C.
Protein change: p.Leu177Pro; replaces leucine 177 with proline.
Molecular consequence: missense variant. On other transcripts: intron variant (1).
Genome position (GRCh38, 1-based): chr19:1,496,603, T>C. VCF-style: chr19-1496603-T-C. GRCh37 (hg19) VCF-style: chr19-1496602-T-C.
Other names: c.517+150T>C (NM_138393.4); short protein forms L177P.
Identifiers: ClinVar variation 1515392 (VCV001515392.6), dbSNP rs1158798468, ClinGen allele CA631057744.

ClinVar aggregate classification (germline): Uncertain significance (1 of 4 stars; one submission).

Allele frequency attached by ClinVar (database versions not stated): gnomAD exomes below 0.00001; TOPMed below 0.00001.

Submission:

Labcorp Genetics (formerly Invitae), Labcorp
Classification: Uncertain significance. Last evaluated: 2022-08-23. Review status: criteria provided, single submitter. Criteria: Invitae Variant Classification Sherloc (09022015). Collection method: clinical testing. Allele origin: germline.
Comment: The frequency data for this variant in the population databases is considered unreliable, as metrics indicate poor data quality at this position in the gnomAD database. This variant has not been reported in the literature in individuals affected with REEP6-related conditions. ClinVar contains an entry for this variant (Variation ID: 1515392). Experimental studies and prediction algorithms are not available or were not evaluated, and the functional significance of this variant is currently unknown. In summary, the available evidence is currently insufficient to determine the role of this variant in disease. Therefore, it has been classified as a Variant of Uncertain Significance. This sequence change replaces leucine with proline at codon 177 of the REEP6 protein (p.Leu177Pro). The leucine residue is weakly conserved and there is a moderate physicochemical difference between leucine and proline.